The following is an entry in ClinVar:

NM_001148.6(ANK2):c.7975A>G (p.Lys2659Glu)

Genes: ANK2 (ankyrin 2; plus strand), LOC126807137 (CDK7 strongly-dependent group 2 enhancer GRCh37_chr4:114276560-114277759; plus strand). Cytogenetic location: 4q26.
Variant type: single nucleotide variant.
Coding change: c.7975A>G on transcript NM_001148.6 (MANE Select); coding-DNA position 7975, A replaced by G.
Protein change: p.Lys2659Glu; replaces lysine 2659 with glutamic acid.
Molecular consequence: missense variant. On other transcripts: intron variant (68).
Genome position (GRCh38, 1-based): chr4:113,356,593, A>G. VCF-style: chr4-113356593-A-G. GRCh37 (hg19) VCF-style: chr4-114277749-A-G.
Other names: c.7741A>G, p.Lys2581Glu (NM_001386142.1); c.4375A>G, p.Lys1459Glu (NM_001386166.1); c.8116A>G, p.Lys2706Glu (NM_001386174.1); c.8092A>G, p.Lys2698Glu (NM_001386175.1); c.4412-4230A>G (NM_001386186.2, NM_001386148.2); c.4214-4230A>G (NM_001354269.3); c.4292-4230A>G (NM_001386187.2); c.4253-4230A>G (NM_001386147.1); and 35 more; short protein forms K1459E, K2581E, K2659E, K2698E, K2706E.
Identifiers: ClinVar variation 3615486 (VCV003615486.2).

ClinVar aggregate classification (germline): Uncertain significance (1 of 4 stars; one submission).

Conditions:
Long QT syndrome (LQTS). Identifiers: MedGen C0023976, MeSH D008133, MONDO:0002442. Disease mechanism: loss of function. Inheritance: Various modes of inheritance.

gnomAD v4.1: 2 of 1,614,094 alleles (0.00012%); highest among the groups gnomAD compares: Admixed American, 0.0033%; no homozygotes.

Submission:

Labcorp Genetics (formerly Invitae), Labcorp
Classification: Uncertain significance for Long QT syndrome. Last evaluated: 2024-04-24. Review status: criteria provided, single submitter. Criteria: Invitae Variant Classification Sherloc (09022015). Collection method: clinical testing. Allele origin: germline.
Comment: This sequence change replaces lysine, which is basic and polar, with glutamic acid, which is acidic and polar, at codon 2659 of the ANK2 protein (p.Lys2659Glu). This variant is present in population databases (no rsID available, gnomAD 0.006%). This variant has not been reported in the literature in individuals affected with ANK2-related conditions. Algorithms developed to predict the effect of missense changes on protein structure and function output the following: SIFT: "Not Available"; PolyPhen-2: "Benign"; Align-GVGD: "Not Available". The glutamic acid amino acid residue is found in multiple mammalian species, which suggests that this missense change does not adversely affect protein function. In summary, the available evidence is currently insufficient to determine the role of this variant in disease. Therefore, it has been classified as a Variant of Uncertain Significance.